The following is an entry in ClinVar:

NM_001349206.2(LPIN1):c.-9-161C>T

Gene: LPIN1 (lipin 1; plus strand). Cytogenetic location: 2p25.1.
Variant type: single nucleotide variant.
Coding change: c.-9-161C>T on transcript NM_001349206.2 (MANE Select); 161 bases into the intron before 9 bases upstream of the start codon, C replaced by T.
Molecular consequence: intron variant.
Genome position (GRCh38, 1-based): chr2:11,765,372, C>T. VCF-style: chr2-11765372-C-T. GRCh37 (hg19) VCF-style: chr2-11905498-C-T.
Other names: c.139-161C>T (NM_001261428.3, NM_001349208.2); c.82-161C>T (NM_001349207.2); c.10-161C>T (NM_001261427.3); c.-9-161C>T (NM_001349204.2, NM_001349202.2, NM_001349200.2 and 5 more transcripts).
Identifiers: ClinVar variation 679644 (VCV000679644.1), dbSNP rs73917123, ClinGen allele CA11285431.

ClinVar aggregate classification (germline): Benign (1 of 4 stars; one submission).

Allele frequency attached by ClinVar (database versions not stated): gnomAD 0.04065 and 0.04334; 1000 Genomes Project 0.04493; TOPMed 0.04644; 1000 Genomes Project 30x 0.04872.
gnomAD v4.1: 6,121 of 152,262 alleles (4%); highest among the groups gnomAD compares: African/African-American, 14%; 407 homozygotes.

Submission:

GeneDx
Classification: Benign. Last evaluated: 2018-06-14. Review status: criteria provided, single submitter. Criteria: GeneDx Variant Classification (06012015). Collection method: clinical testing. Allele origin: germline. Affected: yes.
Comment: This variant is considered likely benign or benign based on one or more of the following criteria: it is a conservative change, it occurs at a poorly conserved position in the protein, it is predicted to be benign by multiple in silico algorithms, and/or has population frequency not consistent with disease.